The following is an entry in ClinVar:

NM_005996.4(TBX3):c.1843C>A (p.Arg615Ser)

Gene: TBX3 (T-box transcription factor 3; minus strand). Cytogenetic location: 12q24.21.
Variant type: single nucleotide variant.
Coding change: c.1843C>A on transcript NM_005996.4 (MANE Select); coding-DNA position 1843, C replaced by A.
Protein change: p.Arg615Ser; replaces arginine 615 with serine.
Molecular consequence: missense variant.
Genome position (GRCh38, 1-based): chr12:114,672,170, G>T on the plus strand (C>A on the coding strand, the complement: TBX3 is on the minus strand). VCF-style: chr12-114672170-G-T. GRCh37 (hg19) VCF-style: chr12-115109975-G-T.
Other names: c.1903C>A, p.Arg635Ser (NM_016569.4); short protein forms R615S, R635S.
Identifiers: ClinVar variation 3661987 (VCV003661987.2).

ClinVar aggregate classification (germline): Uncertain significance (1 of 4 stars; one submission).

Conditions:
Ulnar-mammary syndrome (UMS). Also called: SCHINZEL SYNDROME; PALLISTER ULNAR-MAMMARY SYNDROME; Ulnar-mammary syndrome of Pallister. Identifiers: Orphanet 3138, MedGen C1866994, MONDO:0008411, OMIM 181450.

Submission:

Labcorp Genetics (formerly Invitae), Labcorp
Classification: Uncertain significance for Ulnar-mammary syndrome. Last evaluated: 2024-08-11. Review status: criteria provided, single submitter. Criteria: Invitae Variant Classification Sherloc (09022015). Collection method: clinical testing. Allele origin: germline.
Comment: This sequence change replaces arginine, which is basic and polar, with serine, which is neutral and polar, at codon 615 of the TBX3 protein (p.Arg615Ser). This variant is not present in population databases (gnomAD no frequency). This variant has not been reported in the literature in individuals affected with TBX3-related conditions. An algorithm developed to predict the effect of missense changes on protein structure and function (PolyPhen-2) suggests that this variant is likely to be disruptive. In summary, the available evidence is currently insufficient to determine the role of this variant in disease. Therefore, it has been classified as a Variant of Uncertain Significance.